The following is an entry in ClinVar:

ClinVar aggregate classification (germline): Uncertain significance (1 of 4 stars; one submission).

Conditions:
Inborn genetic diseases. Identifiers: MedGen C0950123, MeSH D030342.

Submission:

Ambry Genetics
Classification: Uncertain significance for Inborn genetic diseases. Last evaluated: 2026-08-24. Review status: criteria provided, single submitter. Criteria: Ambry Variant Classification Scheme 2023. Collection method: clinical testing. Allele origin: germline.
Comment: The p.I459V variant (also known as c.1375A>G), located in coding exon 5 of the GATA2 gene, results from an A to G substitution at nucleotide position 1375. The isoleucine at codon 459 is replaced by valine, an amino acid with highly similar properties. This amino acid position is conserved. In addition, the in silico prediction for this alteration is inconclusive. Based on the available evidence, the clinical significance of this variant remains unclear.

NM_032638.5(GATA2):c.1375A>G (p.Ile459Val)

Gene: GATA2 (GATA binding protein 2; minus strand). Cytogenetic location: 3q21.3.
Variant type: single nucleotide variant.
Coding change: c.1375A>G on transcript NM_032638.5 (MANE Select); coding-DNA position 1375, A replaced by G.
Protein change: p.Ile459Val; replaces isoleucine 459 with valine.
Molecular consequence: missense variant.
Genome position (GRCh38, 1-based): chr3:128,481,087, T>C on the plus strand (A>G on the coding strand, the complement: GATA2 is on the minus strand). VCF-style: chr3-128481087-T-C. GRCh37 (hg19) VCF-style: chr3-128199930-T-C.
Other names: c.1375A>G, p.Ile459Val (NM_001145661.2); c.1333A>G, p.Ile445Val (NM_001145662.1); short protein forms I445V, I459V.
Identifiers: ClinVar variation 5022225 (VCV005022225.1).
Genomic context (GRCh38, chr3:128,481,087, plus strand): 5'-TGGCGGTCACCATGCTGGACGGGTGGGGGTGGCCGAAGGAGAGGCTGGAGGAGGGGTGGA[T>C]GGGCGTCGGAGTGGGCAGGATGTGTCCGGAGTGGCTGAAGGGCGGGAGGTGGCCCACAGG-3'
Protein context (NP_116027.2, residues 449-469): SGHILPTPTP[Ile459Val]HPSSSLSFGH